The following is an entry in ClinVar:

ClinVar aggregate classification (germline): Likely benign. Review status: criteria provided, multiple submitters, no conflicts (2 of 4 stars). 4 submissions from 4 submitters: Likely benign (4). Last evaluated 2026-06-18.

Conditions:
DNM2-related disorder. Also called: DNM2-related condition.
Inborn genetic diseases. Identifiers: MedGen C0950123, MeSH D030342.
Charcot-Marie-Tooth disease dominant intermediate B (CMTDIB). Also called: CHARCOT-MARIE-TOOTH NEUROPATHY, DOMINANT INTERMEDIATE B; Charcot-Marie-Tooth disease dominant intermediate 1; CMT DI1; Charcot-Marie-Tooth disease dominant intermediate I. Identifiers: Orphanet 100044, Orphanet 228179, MedGen C1847902, MONDO:0011674, OMIM 606482.

Allele frequency attached by ClinVar (database versions not stated): gnomAD exomes 0.00001 and 0.00002; ExAC 0.00002; TOPMed 0.00004; gnomAD 0.00005 and 0.00006.
gnomAD v4.1: 13 of 1,614,020 alleles (0.00081%); highest among the groups gnomAD compares: African/African-American, 0.013%; no homozygotes.

Submissions (4):

PreventionGenetics, part of Exact Sciences
Classification: Likely benign for DNM2-related condition. Last evaluated: 2026-06-18. Review status: criteria provided, single submitter. Criteria: ACMG Guidelines, 2015. Collection method: clinical testing. Allele origin: germline.
Comment: This variant is classified as likely benign based on ACMG/AMP sequence variant interpretation guidelines (Richards et al. 2015 PMID: 25741868, with internal and published modifications).

Labcorp Genetics (formerly Invitae), Labcorp
Classification: Likely benign for Charcot-Marie-Tooth disease dominant intermediate B. Last evaluated: 2025-05-07. Review status: criteria provided, single submitter. Criteria: Invitae Variant Classification Sherloc (09022015). Collection method: clinical testing. Allele origin: germline.

Ambry Genetics
Classification: Likely benign for Inborn genetic diseases. Last evaluated: 2019-07-11. Review status: criteria provided, single submitter. Criteria: Ambry Variant Classification Scheme 2023. Collection method: clinical testing. Allele origin: germline.

GeneDx
Classification: Likely benign. Last evaluated: 2016-06-09. Review status: criteria provided, single submitter. Criteria: GeneDx Variant Classification (06012015). Collection method: clinical testing. Allele origin: germline. Affected: yes.
Comment: This variant is considered likely benign or benign based on one or more of the following criteria: it is a conservative change, it occurs at a poorly conserved position in the protein, it is predicted to be benign by multiple in silico algorithms, and/or has population frequency not consistent with disease.

NM_001005361.3(DNM2):c.1449G>A (p.Gln483=)

Gene: DNM2 (dynamin 2; plus strand). Cytogenetic location: 19p13.2.
Variant type: single nucleotide variant.
Coding change: c.1449G>A on transcript NM_001005361.3 (MANE Select); coding-DNA position 1449, G replaced by A.
Protein change: p.Gln483=; no amino-acid change (glutamine 483 retained).
Molecular consequence: synonymous variant.
Genome position (GRCh38, 1-based): chr19:10,802,314, G>A. VCF-style: chr19-10802314-G-A. GRCh37 (hg19) VCF-style: chr19-10912990-G-A.
Other names: c.1449G>A, p.Gln483= (NM_001005360.3, NM_001005362.3, NM_001190716.2 and 1 more transcripts).
Identifiers: ClinVar variation 386733 (VCV000386733.13), dbSNP rs750299400, ClinGen allele CA9201168.